The following is an entry in ClinVar:

ClinVar aggregate classification (germline): Uncertain significance (1 of 4 stars; one submission).

Conditions:
Deficiency of hydroxymethylglutaryl-CoA lyase (HMGCLD). Also called: HMGCL DEFICIENCY; HYDROXYMETHYLGLUTARIC ACIDURIA; Defect in leucine metabolism; 3-hydroxy-3-methylglutaric aciduria; HMG-CoA LYASE DEFICIENCY. Identifiers: Orphanet 20, MedGen C1533587, MONDO:0009520, OMIM 246450.

gnomAD v4.1: 1 of 1,614,094 alleles (0.000062%); highest among the groups gnomAD compares: Admixed American, 0.0017%; no homozygotes.

Submission:

Labcorp Genetics (formerly Invitae), Labcorp
Classification: Uncertain significance for Deficiency of hydroxymethylglutaryl-CoA lyase. Last evaluated: 2021-11-14. Review status: criteria provided, single submitter. Criteria: Invitae Variant Classification Sherloc (09022015). Collection method: clinical testing. Allele origin: germline.
Comment: In summary, the available evidence is currently insufficient to determine the role of this variant in disease. Therefore, it has been classified as a Variant of Uncertain Significance. Algorithms developed to predict the effect of missense changes on protein structure and function are either unavailable or do not agree on the potential impact of this missense change (SIFT: "Deleterious"; PolyPhen-2: "Possibly Damaging"; Align-GVGD: "Class C0"). This variant has not been reported in the literature in individuals affected with HMGCL-related conditions. This variant is not present in population databases (gnomAD no frequency). This sequence change replaces isoleucine, which is neutral and non-polar, with methionine, which is neutral and non-polar, at codon 180 of the HMGCL protein (p.Ile180Met).

NM_000191.3(HMGCL):c.540C>G (p.Ile180Met)

Gene: HMGCL (3-hydroxy-3-methylglutaryl-CoA lyase; minus strand). Cytogenetic location: 1p36.11.
Variant type: single nucleotide variant.
Coding change: c.540C>G on transcript NM_000191.3 (MANE Select); coding-DNA position 540, C replaced by G.
Protein change: p.Ile180Met; replaces isoleucine 180 with methionine.
Molecular consequence: missense variant. On other transcripts: intron variant (1).
Genome position (GRCh38, 1-based): chr1:23,810,757, G>C on the plus strand (C>G on the coding strand, the complement: HMGCL is on the minus strand). VCF-style: chr1-23810757-G-C. GRCh37 (hg19) VCF-style: chr1-24137247-G-C.
Other names: c.349-2434C>G (NM_001166059.2); short protein forms I180M.
Identifiers: ClinVar variation 1401617 (VCV001401617.6), dbSNP rs2148420690, ClinGen allele CA339025094.
Genomic context (GRCh38, chr1:23,810,757, plus strand): 5'-AACCCTCACCAAACCCCCCGCCCTGACACATGCACACACCTCAGCTACTTTAGCTGGGGA[G>C]ATCTTCCCTTCATAAGGGCAGCCAAGAGCACAGGAGACGTACCTGTGGGAAGACAGGGGA-3'
Protein context (NP_000182.2, residues 170-190): CALGCPYEGK[Ile180Met]SPAKVAEVTK